The following is an entry in ClinVar:

NM_000051.4(ATM):c.8192T>C (p.Val2731Ala)

Genes: ATM (ATM serine/threonine kinase; plus strand), C11orf65 (chromosome 11 open reading frame 65; minus strand). Cytogenetic location: 11q22.3.
Variant type: single nucleotide variant.
Coding change: c.8192T>C on transcript NM_000051.4 (MANE Select); coding-DNA position 8192, T replaced by C.
Protein change: p.Val2731Ala; replaces valine 2731 with alanine.
Molecular consequence: missense variant. On other transcripts: intron variant (2).
Genome position (GRCh38, 1-based): chr11:108,335,885, T>C. VCF-style: chr11-108335885-T-C. GRCh37 (hg19) VCF-style: chr11-108206612-T-C.
Other names: c.8192T>C, p.Val2731Ala (NM_001351834.2); c.641-26814A>G (NM_001330368.2); c.695-593A>G (NM_001351110.2); short protein forms V2731A.
Identifiers: ClinVar variation 1025472 (VCV001025472.11), dbSNP rs2086789387, ClinGen allele CA382562541.
Genomic context (GRCh38, chr11:108,335,885, plus strand): 5'-CATGCTTAATTATTCTGAAGGGCCGTGATGACCTGAGACAAGATGCTGTCATGCAACAGG[T>C]CTTCCAGATGTGTAATACATTACTGCAGAGAAACACGGAAACTAGGAAGAGGAAATTAAC-3'
Protein context (NP_000042.3, residues 2721-2741): DLRQDAVMQQ[Val2731Ala]FQMCNTLLQR

ClinVar aggregate classification (germline): Uncertain significance. Review status: criteria provided, multiple submitters, no conflicts (2 of 4 stars). 2 submissions from 2 submitters: Uncertain significance (2). Last evaluated 2022-10-26.

Conditions:
Hereditary cancer-predisposing syndrome. Also called: Neoplastic Syndromes, Hereditary; Tumor predisposition; Hereditary Cancer Syndrome; Hereditary neoplastic syndrome. Identifiers: Orphanet 140162, MedGen C0027672, MeSH D009386, MONDO:0015356.
Ataxia-telangiectasia syndrome (AT). Also called: Ataxia telangiectasia (A-T); ATAXIA-TELANGIECTASIA, COMPLEMENTATION GROUP A; ATAXIA-TELANGIECTASIA, FRESNO VARIANT; Ataxia-telangiectasia; Ataxia-telangiectasia, complementation group E; LOUIS-BAR SYNDROME. Identifiers: Orphanet 100, MedGen C0004135, MONDO:0008840, OMIM 208900.

Submissions (2):

Labcorp Genetics (formerly Invitae), Labcorp
Classification: Uncertain significance for Ataxia-telangiectasia syndrome. Last evaluated: 2022-10-26. Review status: criteria provided, single submitter. Criteria: Invitae Variant Classification Sherloc (09022015). Collection method: clinical testing. Allele origin: germline.
Comment: This sequence change replaces valine, which is neutral and non-polar, with alanine, which is neutral and non-polar, at codon 2731 of the ATM protein (p.Val2731Ala). This variant is not present in population databases (gnomAD no frequency). This variant has not been reported in the literature in individuals affected with ATM-related conditions. ClinVar contains an entry for this variant (Variation ID: 1025472). Algorithms developed to predict the effect of missense changes on protein structure and function (SIFT, PolyPhen-2, Align-GVGD) all suggest that this variant is likely to be disruptive. In summary, the available evidence is currently insufficient to determine the role of this variant in disease. Therefore, it has been classified as a Variant of Uncertain Significance.

Ambry Genetics
Classification: Uncertain significance for Hereditary cancer-predisposing syndrome. Last evaluated: 2022-09-08. Review status: criteria provided, single submitter. Criteria: Ambry Variant Classification Scheme 2023. Collection method: clinical testing. Allele origin: germline.
Comment: The p.V2731A variant (also known as c.8192T>C), located in coding exon 55 of the ATM gene, results from a T to C substitution at nucleotide position 8192. The valine at codon 2731 is replaced by alanine, an amino acid with similar properties. This amino acid position is conserved. In addition, this alteration is predicted to be deleterious by in silico analysis. Since supporting evidence is limited at this time, the clinical significance of this alteration remains unclear.